The following is an entry in ClinVar:

ClinVar aggregate classification (germline): Uncertain significance (1 of 4 stars; one submission).

Conditions:
Dyskeratosis congenita, autosomal recessive 6 (DKCB6). Identifiers: MedGen C4225356, MONDO:0014600, OMIM 616353.
Pulmonary fibrosis and/or bone marrow failure, Telomere-related, 4. Also called: PULMONARY FIBROSIS AND/OR BONE MARROW FAILURE SYNDROME, TELOMERE-RELATED, 4. Identifiers: Orphanet 2032, MedGen C4225347, MONDO:0014612, OMIM 616371.

Submission:

Labcorp Genetics (formerly Invitae), Labcorp
Classification: Uncertain significance for Dyskeratosis congenita, autosomal recessive 6; Pulmonary fibrosis and/or bone marrow failure, Telomere-related, 4. Last evaluated: 2024-10-29. Review status: criteria provided, single submitter. Criteria: Invitae Variant Classification Sherloc (09022015). Collection method: clinical testing. Allele origin: germline.
Comment: This sequence change replaces histidine, which is basic and polar, with proline, which is neutral and non-polar, at codon 551 of the PARN protein (p.His551Pro). This variant is not present in population databases (gnomAD no frequency). This variant has not been reported in the literature in individuals affected with PARN-related conditions. ClinVar contains an entry for this variant (Variation ID: 1439083). An algorithm developed to predict the effect of missense changes on protein structure and function outputs the following: PolyPhen-2: "Benign". The proline amino acid residue is found in multiple mammalian species, which suggests that this missense change does not adversely affect protein function. In summary, the available evidence is currently insufficient to determine the role of this variant in disease. Therefore, it has been classified as a Variant of Uncertain Significance.

NM_002582.4(PARN):c.1652A>C (p.His551Pro)

Gene: PARN (poly(A)-specific ribonuclease; minus strand). Cytogenetic location: 16p13.12.
Variant type: single nucleotide variant.
Coding change: c.1652A>C on transcript NM_002582.4 (MANE Select); coding-DNA position 1652, A replaced by C.
Protein change: p.His551Pro; replaces histidine 551 with proline.
Molecular consequence: missense variant.
Genome position (GRCh38, 1-based): chr16:14,482,656, T>G on the plus strand (A>C on the coding strand, the complement: PARN is on the minus strand). VCF-style: chr16-14482656-T-G. GRCh37 (hg19) VCF-style: chr16-14576513-T-G.
Other names: c.1469A>C, p.His490Pro (NM_001134477.3); c.1514A>C, p.His505Pro (NM_001242992.2); short protein forms H490P, H505P, H551P.
Identifiers: ClinVar variation 1439083 (VCV001439083.8), dbSNP rs2151597154, ClinGen allele CA395183332.